The following is an entry in ClinVar:

NM_001008216.2(GALE):c.74C>T (p.Ala25Val)

Gene: GALE (UDP-galactose-4-epimerase; minus strand). Cytogenetic location: 1p36.11.
Variant type: single nucleotide variant.
Coding change: c.74C>T on transcript NM_001008216.2 (MANE Select); coding-DNA position 74, C replaced by T.
Protein change: p.Ala25Val; replaces alanine 25 with valine.
Molecular consequence: missense variant.
Genome position (GRCh38, 1-based): chr1:23,798,934, G>A on the plus strand (C>T on the coding strand, the complement: GALE is on the minus strand). VCF-style: chr1-23798934-G-A. GRCh37 (hg19) VCF-style: chr1-24125424-G-A.
Other names: c.74C>T, p.Ala25Val (NM_000403.4, NM_001127621.2); short protein forms A25V.
Identifiers: ClinVar variation 4847686 (VCV004847686.1).

ClinVar aggregate classification (germline): Uncertain significance (1 of 4 stars; one submission).

Submission:

Women's Health and Genetics/Laboratory Corporation of America, LabCorp
Classification: Uncertain significance. Last evaluated: 2026-03-25. Review status: criteria provided, single submitter. Criteria: LabCorp Variant Classification Summary - May 2015. Collection method: clinical testing. Allele origin: germline.
Comment: Variant summary: GALE c.74C>T (p.Ala25Val) results in a non-conservative amino acid change in the encoded protein sequence. Algorithms developed to predict the effect of missense changes on protein structure and function all suggest that this variant is likely to be disruptive. The variant allele was found at a frequency of 4e-06 in 251398 control chromosomes (gnomAD). c.74C>T has been observed in an individual affected with UDPglucose-4-Epimerase Deficiency (Park_2005). These data do not allow any conclusion about variant significance. At least one publication reports experimental evidence evaluating an impact on protein function. The most pronounced variant effect results in 30%-50% of normal activity (Bang_2009). The following publication has been ascertained in the context of this evaluation (PMID: 16301867, 19250319). No submitters have cited clinical-significance assessments for this variant to ClinVar. Based on the evidence outlined above, the variant was classified as VUS-possibly pathogenic.

Literature cited by the submitters: PubMed 19250319; PubMed 16301867.